The following is an entry in ClinVar:

ClinVar aggregate classification (germline): Uncertain significance (1 of 4 stars; one submission).

Conditions:
Hereditary cancer-predisposing syndrome. Also called: Hereditary neoplastic syndrome; Neoplastic Syndromes, Hereditary; Tumor predisposition; Hereditary Cancer Syndrome. Identifiers: Orphanet 140162, MedGen C0027672, MeSH D009386, MONDO:0015356.

Submission:

Ambry Genetics
Classification: Uncertain significance for Hereditary cancer-predisposing syndrome. Last evaluated: 2025-08-27. Review status: criteria provided, single submitter. Criteria: Ambry Variant Classification Scheme 2023. Collection method: clinical testing. Allele origin: germline.
Comment: The p.S320A variant (also known as c.958T>G), located in coding exon 11 of the MUTYH gene, results from a T to G substitution at nucleotide position 958. The serine at codon 320 is replaced by alanine, an amino acid with similar properties. This amino acid position is conserved. In addition, this alteration is predicted to be tolerated by in silico analysis. Based on the available evidence, the clinical significance of this variant remains unclear.

NM_001048174.2(MUTYH):c.874T>G (p.Ser292Ala)

Gene: MUTYH (mutY DNA glycosylase; minus strand). Cytogenetic location: 1p34.1.
Variant type: single nucleotide variant.
Coding change: c.874T>G on transcript NM_001048174.2 (MANE Select); coding-DNA position 874, T replaced by G.
Protein change: p.Ser292Ala; replaces serine 292 with alanine.
Molecular consequence: missense variant. On other transcripts: non-coding transcript variant (7).
Genome position (GRCh38, 1-based): chr1:45,332,062, A>C on the plus strand (T>G on the coding strand, the complement: MUTYH is on the minus strand). VCF-style: chr1-45332062-A-C. GRCh37 (hg19) VCF-style: chr1-45797734-A-C.
Other names: c.919T>G, p.Ser307Ala (NM_001293190.2); c.907T>G, p.Ser303Ala (NM_001293191.2, NM_001407069.1, NM_001407077.1); c.598T>G, p.Ser200Ala (NM_001293192.2, NM_001293196.2, NM_001407091.1); c.874T>G, p.Ser292Ala (NM_001293195.2, NM_001407070.1, NM_001407088.1 and 6 more transcripts); c.529T>G, p.Ser177Ala (NM_001350650.2, NM_001350651.2, NM_001407082.1); c.916T>G, p.Ser306Ala (NM_001407083.1, NM_001407085.1); c.877T>G, p.Ser293Ala (NM_001407086.1, NM_001048172.2, NM_001407071.1 and 1 more transcripts); c.895T>G, p.Ser299Ala (NM_001407087.1); and 5 more; short protein forms S200A, S292A, S306A, S307A, S320A, S264A, S279A, S293A.
Identifiers: ClinVar variation 4113955 (VCV004113955.1).